The following is an entry in ClinVar:

ClinVar aggregate classification (germline): Pathogenic (1 of 4 stars; one submission).

Conditions:
Hereditary nonpolyposis colorectal neoplasms. Identifiers: MedGen C0009405, MeSH D003123.

Submission:

Labcorp Genetics (formerly Invitae), Labcorp
Classification: Pathogenic for Hereditary nonpolyposis colorectal neoplasms. Last evaluated: 2024-01-19. Review status: criteria provided, single submitter. Criteria: Invitae Variant Classification Sherloc (09022015). Collection method: clinical testing. Allele origin: unknown.
Comment: This variant is a gross deletion of the genomic region encompassing exon(s) 15 of the PMS2 gene, which includes the termination codon. This deletion extends beyond the assayed region for this gene and therefore may encompass additional genes. While this deletion is not anticipated to lead to nonsense mediated decay, it is expected to alter mRNA translation or result in a truncated protein product. The frequency data for this variant in the population databases (gnomAD) is considered unreliable due to the presence of homologous sequence, such as pseudogenes or paralogs, in the genome. A similar copy number variant has been observed in individuals with constitutional mismatch repair deficiency syndrome or Lynch syndrome (PMID: 21618646, 24440087, 31233827). It has also been observed to segregate with disease in related individuals. This variant disrupts a region of the PMS2 protein in which other variant(s) (p.Trp841Glyfs*10) have been determined to be pathogenic (PMID: 10037723, 26116798, 28218421, 30764633). This suggests that this is a clinically significant region of the protein, and that variants that disrupt it are likely to be disease-causing. For these reasons, this variant has been classified as Pathogenic.

Literature cited by the submitters: PubMed 21618646; PubMed 24440087; PubMed 31233827; PubMed 10037723; PubMed 26116798; PubMed 28218421; PubMed 30764633.

NC_000007.13:g.(?_6013030)_(6013193_?)del

Gene: PMS2 (PMS1 homolog 2, mismatch repair system component; minus strand). Cytogenetic location: 7p22.1.
Variant type: Deletion.
Identifiers: ClinVar variation 3245649 (VCV003245649.1).